The following is an entry in ClinVar:

NM_002529.4(NTRK1):c.188C>G (p.Pro63Arg)

Gene: NTRK1 (neurotrophic receptor tyrosine kinase 1; plus strand). Cytogenetic location: 1q23.1.
Variant type: single nucleotide variant.
Coding change: c.188C>G on transcript NM_002529.4 (MANE Select); coding-DNA position 188, C replaced by G.
Protein change: p.Pro63Arg; replaces proline 63 with arginine.
Molecular consequence: missense variant. On other transcripts: intron variant (1).
Genome position (GRCh38, 1-based): chr1:156,861,122, C>G. VCF-style: chr1-156861122-C-G. GRCh37 (hg19) VCF-style: chr1-156830914-C-G.
Other names: c.188C>G, p.Pro63Arg (NM_001007204.1, NM_001012331.2); c.123-3232C>G (NM_001007792.1); short protein forms P63R.
Identifiers: ClinVar variation 2182834 (VCV002182834.1), dbSNP rs752899898, ClinGen allele CA1168834.

ClinVar aggregate classification (germline): Uncertain significance (1 of 4 stars; one submission).

Conditions:
Hereditary insensitivity to pain with anhidrosis (CIPA). Also called: hereditary sensory and autonomic neuropathy type 4; HSAN Type IV; NTRK1 Congenital Insensitivity to Pain with Anhidrosis; FAMILIAL DYSAUTONOMIA, TYPE II; INSENSITIVITY TO PAIN, CONGENITAL, WITH ANHIDROSIS; NEUROPATHY, CONGENITAL SENSORY, WITH ANHIDROSIS. Identifiers: Orphanet 642, MedGen C0020074, MONDO:0009746, OMIM 256800.

gnomAD v4.1: 7 of 1,581,484 alleles (0.00044%); highest among the groups gnomAD compares: East Asian, 0.014%; no homozygotes.

Submission:

Labcorp Genetics (formerly Invitae), Labcorp
Classification: Uncertain significance for Hereditary insensitivity to pain with anhidrosis. Last evaluated: 2022-07-17. Review status: criteria provided, single submitter. Criteria: Invitae Variant Classification Sherloc (09022015). Collection method: clinical testing. Allele origin: germline.
Comment: This sequence change replaces proline, which is neutral and non-polar, with arginine, which is basic and polar, at codon 63 of the NTRK1 protein (p.Pro63Arg). This variant is present in population databases (rs752899898, gnomAD 0.03%). This variant has not been reported in the literature in individuals affected with NTRK1-related conditions. Advanced modeling of protein sequence and biophysical properties (such as structural, functional, and spatial information, amino acid conservation, physicochemical variation, residue mobility, and thermodynamic stability) performed at Invitae indicates that this missense variant is not expected to disrupt NTRK1 protein function. In summary, the available evidence is currently insufficient to determine the role of this variant in disease. Therefore, it has been classified as a Variant of Uncertain Significance.